The following is an entry in ClinVar:

ClinVar aggregate classification (germline): Uncertain significance (1 of 4 stars; one submission).

Conditions:
Ehlers-Danlos syndrome, classic type, 1 (EDSCL1). Also called: EHLERS-DANLOS SYNDROME, GRAVIS TYPE; EHLERS-DANLOS SYNDROME, SEVERE CLASSIC TYPE; Ehlers-Danlos syndrome, type 1; Ehlers-Danlos Syndrome, Classic Type, COL5A1-Related; EDS I. Identifiers: MedGen C0268335, MONDO:0019567, OMIM 130000.

Submission:

Labcorp Genetics (formerly Invitae), Labcorp
Classification: Uncertain significance for Ehlers-Danlos syndrome, classic type, 1. Last evaluated: 2023-08-07. Review status: criteria provided, single submitter. Criteria: Invitae Variant Classification Sherloc (09022015). Collection method: clinical testing. Allele origin: germline.
Comment: In summary, the available evidence is currently insufficient to determine the role of this variant in disease. Therefore, it has been classified as a Variant of Uncertain Significance. Variants that disrupt the consensus splice site are a relatively common cause of aberrant splicing (PMID: 17576681, 9536098). Algorithms developed to predict the effect of sequence changes on RNA splicing suggest that this variant may disrupt the consensus splice site. This variant has not been reported in the literature in individuals affected with COL5A2-related conditions. This variant is not present in population databases (gnomAD no frequency). This sequence change falls in intron 6 of the COL5A2 gene. It does not directly change the encoded amino acid sequence of the COL5A2 protein. It affects a nucleotide within the consensus splice site.

Literature cited by the submitters: PubMed 17576681; PubMed 9536098.

NM_000393.5(COL5A2):c.456+3A>C

Gene: COL5A2 (collagen type V alpha 2 chain; minus strand). Cytogenetic location: 2q32.2.
Variant type: single nucleotide variant.
Coding change: c.456+3A>C on transcript NM_000393.5 (MANE Select); 3 bases into the intron after coding-DNA position 456, A replaced by C.
Molecular consequence: intron variant.
Genome position (GRCh38, 1-based): chr2:189,097,274, T>G on the plus strand (A>C on the coding strand, the complement: COL5A2 is on the minus strand). VCF-style: chr2-189097274-T-G. GRCh37 (hg19) VCF-style: chr2-189962000-T-G.
Identifiers: ClinVar variation 2747285 (VCV002747285.3), dbSNP rs1686938255, ClinGen allele CA2697551479.